The following is an entry in ClinVar:

NM_000059.4(BRCA2):c.-21G>A

Gene: BRCA2 (BRCA2 DNA repair associated; plus strand). Cytogenetic location: 13q13.1.
Variant type: single nucleotide variant.
Coding change: c.-21G>A on transcript NM_000059.4 (MANE Select); 21 bases upstream of the start codon, G replaced by A.
Molecular consequence: 5 prime UTR variant.
Genome position (GRCh38, 1-based): chr13:32,316,440, G>A. VCF-style: chr13-32316440-G-A. GRCh37 (hg19) VCF-style: chr13-32890577-G-A.
Identifiers: ClinVar variation 1470481 (VCV001470481.6), dbSNP rs2138697790, ClinGen allele CA2573149257.

ClinVar aggregate classification (germline): Uncertain significance (1 of 4 stars; one submission).

Conditions:
Hereditary breast ovarian cancer syndrome. Also called: BRCA1- and BRCA2-Associated Hereditary Breast and Ovarian Cancer; Hereditary breast and ovarian cancer; Hereditary breast and ovarian cancer syndrome; Hereditary breast and ovarian cancer syndrome (HBOC); Breast and ovarian cancer; Hereditary breast and/or ovarian cancer syndrome. Identifiers: Orphanet 145, MedGen C0677776, MeSH D061325, MONDO:0003582. Disease mechanism: loss of function.

Submission:

Labcorp Genetics (formerly Invitae), Labcorp
Classification: Uncertain significance for Hereditary breast ovarian cancer syndrome. Last evaluated: 2021-07-16. Review status: criteria provided, single submitter. Criteria: Invitae Variant Classification Sherloc (09022015). Collection method: clinical testing. Allele origin: germline.
Comment: Experimental studies and prediction algorithms are not available or were not evaluated, and the functional significance of this variant is currently unknown. In summary, the available evidence is currently insufficient to determine the role of this variant in disease. Therefore, it has been classified as a Variant of Uncertain Significance. This variant has not been reported in the literature in individuals affected with BRCA2-related conditions. This variant occurs in a non-coding region of the BRCA2 gene. It does not change the encoded amino acid sequence of the BRCA2 protein. This variant is not present in population databases (ExAC no frequency).